The following is an entry in ClinVar:

ClinVar aggregate classification (germline): Benign. Review status: criteria provided, multiple submitters, no conflicts (2 of 4 stars). 3 submissions from 3 submitters: Benign (2). 1 of the submissions does not count toward it. Last evaluated 2026-02-02.

Conditions:
MLPH-related disorder. Also called: MLPH-related condition.

Allele frequency attached by ClinVar (database versions not stated): gnomAD exomes 0.01499 and 0.00598; ExAC 0.01899; gnomAD 0.05746 and 0.06151; TOPMed 0.06452; 1000 Genomes Project 0.06969; ESP Exome Variant Server 0.06507; 1000 Genomes Project 30x 0.07448.
gnomAD v4.1: 17,925 of 1,613,310 alleles (1.1%); highest among the groups gnomAD compares: African/African-American, 20%; 1,553 homozygotes.

Submissions (3):

Labcorp Genetics (formerly Invitae), Labcorp
Classification: Benign. Last evaluated: 2026-02-02. Review status: criteria provided, single submitter. Criteria: Invitae Variant Classification Sherloc (09022015). Collection method: clinical testing. Allele origin: germline.

Breakthrough Genomics
Classification: Benign. Review status: criteria provided, single submitter. Criteria: ACMG Guidelines, 2015. Collection method: not provided. Allele origin: germline. Inheritance: Autosomal recessive inheritance. Affected: yes.

PreventionGenetics, part of Exact Sciences
Classification: Benign for MLPH-related condition. Last evaluated: 2019-03-08. Review status: no assertion criteria provided. Collection method: clinical testing. Allele origin: germline. Not counted in ClinVar's aggregate classification.
Comment: This variant is classified as benign based on ACMG/AMP sequence variant interpretation guidelines (Richards et al. 2015 PMID: 25741868, with internal and published modifications).

NM_024101.7(MLPH):c.1351C>T (p.Pro451Ser)

Gene: MLPH (melanophilin; plus strand). Cytogenetic location: 2q37.3.
Variant type: single nucleotide variant.
Coding change: c.1351C>T on transcript NM_024101.7 (MANE Select); coding-DNA position 1351, C replaced by T.
Protein change: p.Pro451Ser; replaces proline 451 with serine.
Molecular consequence: missense variant. On other transcripts: non-coding transcript variant (1), intron variant (1).
Genome position (GRCh38, 1-based): chr2:237,540,862, C>T. VCF-style: chr2-237540862-C-T. GRCh37 (hg19) VCF-style: chr2-238449505-C-T.
Other names: c.1267C>T, p.Pro423Ser (NM_001042467.3); c.922C>T, p.Pro308Ser (NM_001281474.2); c.1086+329C>T (NM_001281473.2); c.1351C>T (NM_024101.6); short protein forms P308S, P423S, P451S.
Identifiers: ClinVar variation 1528887 (VCV001528887.11), dbSNP rs58256353, ClinGen allele CA2190583.